The following is an entry in ClinVar:

NM_000478.6(ALPL):c.1480C>T (p.Leu494Phe)

Gene: ALPL (alkaline phosphatase, biomineralization associated; plus strand). Cytogenetic location: 1p36.12.
Variant type: single nucleotide variant.
Coding change: c.1480C>T on transcript NM_000478.6 (MANE Select); coding-DNA position 1480, C replaced by T.
Protein change: p.Leu494Phe; replaces leucine 494 with phenylalanine.
Molecular consequence: missense variant.
Genome position (GRCh38, 1-based): chr1:21,577,553, C>T. VCF-style: chr1-21577553-C-T. GRCh37 (hg19) VCF-style: chr1-21904046-C-T.
Other names: c.1315C>T, p.Leu439Phe (NM_001127501.4); c.1249C>T, p.Leu417Phe (NM_001177520.3); c.1480C>T, p.Leu494Phe (NM_001369803.2, NM_001369804.2, NM_001369805.2); short protein forms L494F, L439F, L417F.
Identifiers: ClinVar variation 4691408 (VCV004691408.2).

ClinVar aggregate classification (germline): Uncertain significance. Review status: criteria provided, multiple submitters, no conflicts (2 of 4 stars). 2 submissions from 2 submitters: Uncertain significance (2). Last evaluated 2025-12-09.

gnomAD v4.1: 2 of 1,605,088 alleles (0.00012%); highest among the groups gnomAD compares: Admixed American, 0.0017%; no homozygotes.

Submissions (2):

Labcorp Genetics (formerly Invitae), Labcorp
Classification: Uncertain significance. Last evaluated: 2025-12-09. Review status: criteria provided, single submitter. Criteria: Invitae Variant Classification Sherloc (09022015). Collection method: clinical testing. Allele origin: germline.
Comment: This sequence change replaces leucine, which is neutral and non-polar, with phenylalanine, which is neutral and non-polar, at codon 494 of the ALPL protein (p.Leu494Phe). This variant is present in population databases (rs772080508, gnomAD 0.007%). This variant has not been reported in the literature in individuals affected with ALPL-related conditions. Invitae Evidence Modeling of protein sequence and biophysical properties (such as structural, functional, and spatial information, amino acid conservation, physicochemical variation, residue mobility, and thermodynamic stability) has been performed for this missense variant. However, the output from this modeling did not meet the statistical confidence thresholds required to predict the impact of this variant on ALPL protein function. In summary, the available evidence is currently insufficient to determine the role of this variant in disease. Therefore, it has been classified as a Variant of Uncertain Significance.

Blueprint Genetics
Classification: Uncertain significance. Last evaluated: 2020-10-28. Review status: criteria provided, single submitter. Criteria: ACMG Guidelines, 2015. Collection method: clinical testing. Allele origin: germline.